The following is an entry in ClinVar:

ClinVar aggregate classification (germline): Benign. Review status: criteria provided, multiple submitters, no conflicts (2 of 4 stars). 2 submissions from 2 submitters: Benign (2). Last evaluated 2026-01-26.

Allele frequency attached by ClinVar (database versions not stated): 1000 Genomes Project 0.00479; 1000 Genomes Project 30x 0.00484; gnomAD 0.00749; TOPMed 0.00789; ExAC 0.00797; ESP Exome Variant Server 0.00923; gnomAD exomes 0.01129.
gnomAD v4.1: 17,536 of 1,613,964 alleles (1.1%); highest among the groups gnomAD compares: Non-Finnish European, 1.3%; 146 homozygotes.

Submissions (2):

Labcorp Genetics (formerly Invitae), Labcorp
Classification: Benign. Last evaluated: 2026-01-26. Review status: criteria provided, single submitter. Criteria: Invitae Variant Classification Sherloc (09022015). Collection method: clinical testing. Allele origin: germline.

CeGaT Center for Human Genetics Tuebingen
Classification: Benign. Last evaluated: 2024-07-01. Review status: criteria provided, single submitter. Criteria: CeGaT Center For Human Genetics Tuebingen Variant Classification Criteria Version 2. Collection method: clinical testing. Allele origin: germline. Affected: yes. Observed: 1 variant allele.
Comment: NAA35: BP4, BS1, BS2

NM_024635.4(NAA35):c.1611G>A (p.Leu537=)

Gene: NAA35 (N-alpha-acetyltransferase 35, NatC auxiliary subunit; plus strand). Cytogenetic location: 9q21.33.
Variant type: single nucleotide variant.
Coding change: c.1611G>A on transcript NM_024635.4 (MANE Select); coding-DNA position 1611, G replaced by A.
Protein change: p.Leu537=; no amino-acid change (leucine 537 retained).
Molecular consequence: synonymous variant.
Genome position (GRCh38, 1-based): chr9:86,016,581, G>A. VCF-style: chr9-86016581-G-A. GRCh37 (hg19) VCF-style: chr9-88631496-G-A.
Other names: c.1611G>A, p.Leu537= (NM_001321881.2, NM_001321882.2).
Identifiers: ClinVar variation 2043986 (VCV002043986.21), dbSNP rs149863465, ClinGen allele CA5107480.